The following is an entry in ClinVar:

NM_017849.4(TMEM127):c.505G>A (p.Val169Ile)

Gene: TMEM127 (transmembrane protein 127; minus strand). Cytogenetic location: 2q11.2.
Variant type: single nucleotide variant.
Coding change: c.505G>A on transcript NM_017849.4 (MANE Select); coding-DNA position 505, G replaced by A.
Protein change: p.Val169Ile; replaces valine 169 with isoleucine.
Molecular consequence: missense variant.
Genome position (GRCh38, 1-based): chr2:96,254,020, C>T on the plus strand (G>A on the coding strand, the complement: TMEM127 is on the minus strand). VCF-style: chr2-96254020-C-T. GRCh37 (hg19) VCF-style: chr2-96919758-C-T.
Other names: c.505G>A, p.Val169Ile (NM_001193304.3); c.253G>A, p.Val85Ile (NM_001407282.1, NM_001407283.1); short protein forms V169I, V85I.
Identifiers: ClinVar variation 3227081 (VCV003227081.1), dbSNP rs778160226, ClinGen allele CA347652674.
Genomic context (GRCh38, chr2:96,254,020, plus strand): 5'-GGATTGAGGCTCCACCAGCTCCTGCCACCAGGTAGAAGCTAACGGCGAAGGTGACATAGA[C>T]CTGGGATCCATGGTACTTCTTATGCTGCTGCTGCTGGGCCAAGATGAGTTCAGAAGCCCA-3'
Protein context (NP_060319.1, residues 159-179): QQHKKYHGSQ[Val169Ile]YVTFAVSFYL

ClinVar aggregate classification (germline): Uncertain significance (1 of 4 stars; one submission).

Conditions:
Hereditary cancer-predisposing syndrome. Also called: Neoplastic Syndromes, Hereditary; Tumor predisposition; Hereditary neoplastic syndrome; Hereditary Cancer Syndrome. Identifiers: Orphanet 140162, MedGen C0027672, MeSH D009386, MONDO:0015356.

Submission:

Ambry Genetics
Classification: Uncertain significance for Hereditary cancer-predisposing syndrome. Last evaluated: 2023-11-30. Review status: criteria provided, single submitter. Criteria: Ambry Variant Classification Scheme 2023. Collection method: clinical testing. Allele origin: germline.
Comment: The p.V169I variant (also known as c.505G>A), located in coding exon 3 of the TMEM127 gene, results from a G to A substitution at nucleotide position 505. The valine at codon 169 is replaced by isoleucine, an amino acid with highly similar properties. This amino acid position is conserved. In addition, this alteration is predicted to be tolerated by in silico analysis. Since supporting evidence is limited at this time, the clinical significance of this alteration remains unclear.